The following is an entry in ClinVar:

NM_006231.4(POLE):c.3845A>G (p.Gln1282Arg)

Gene: POLE (DNA polymerase epsilon, catalytic subunit; minus strand). Cytogenetic location: 12q24.33.
Variant type: single nucleotide variant.
Coding change: c.3845A>G on transcript NM_006231.4 (MANE Select); coding-DNA position 3845, A replaced by G.
Protein change: p.Gln1282Arg; replaces glutamine 1282 with arginine.
Molecular consequence: missense variant.
Genome position (GRCh38, 1-based): chr12:132,649,466, T>C on the plus strand (A>G on the coding strand, the complement: POLE is on the minus strand). VCF-style: chr12-132649466-T-C. GRCh37 (hg19) VCF-style: chr12-133226052-T-C.
Other names: short protein forms Q1282R.
Identifiers: ClinVar variation 958683 (VCV000958683.9), dbSNP rs2042369246, ClinGen allele CA387385451.

ClinVar aggregate classification (germline): Uncertain significance (1 of 4 stars; one submission).

Submission:

Labcorp Genetics (formerly Invitae), Labcorp
Classification: Uncertain significance. Last evaluated: 2023-03-07. Review status: criteria provided, single submitter. Criteria: Invitae Variant Classification Sherloc (09022015). Collection method: clinical testing. Allele origin: germline.
Comment: This sequence change replaces glutamine, which is neutral and polar, with arginine, which is basic and polar, at codon 1282 of the POLE protein (p.Gln1282Arg). This variant is not present in population databases (gnomAD no frequency). This variant has not been reported in the literature in individuals affected with POLE-related conditions. ClinVar contains an entry for this variant (Variation ID: 958683). Advanced modeling of protein sequence and biophysical properties (such as structural, functional, and spatial information, amino acid conservation, physicochemical variation, residue mobility, and thermodynamic stability) performed at Invitae indicates that this missense variant is not expected to disrupt POLE protein function. In summary, the available evidence is currently insufficient to determine the role of this variant in disease. Therefore, it has been classified as a Variant of Uncertain Significance.